The following is an entry in ClinVar:

ClinVar aggregate classification (germline): Pathogenic. Review status: criteria provided, multiple submitters, no conflicts (2 of 4 stars). 2 submissions from 2 submitters: Pathogenic (2). Last evaluated 2026-04-14.

Conditions:
Progressive familial intrahepatic cholestasis type 2. Identifiers: Orphanet 79304, MedGen C3489789, MONDO:0011156, OMIM 601847.
Familial intrahepatic cholestasis. Identifiers: Orphanet 284385, MedGen CN296401, MONDO:0017290.

Submissions (2):

Genomenon, Inc
Classification: Pathogenic for Familial intrahepatic cholestasis. Last evaluated: 2026-04-14. Review status: criteria provided, single submitter. Criteria: Genomenon Sequence Variant Interpretation Standards - Updated. Collection method: curation. Allele origin: germline. Affected: yes.
Comment: ABCB11 p.Ile1061ValfsTer35 (c.3181_3184del) is a frameshift variant that results in the production of a truncated protein which is predicted to undergo nonsense-mediated mRNA decay. This variant has been observed in at least one proband with an ABCB11-related disorder (PMID:35626323;20232290). The variant was found to segregate with disease in at least one affected family (PMID:20232290). It is absent or not present at a significant frequency in gnomAD. In conclusion, we classify ABCB11 p.Ile1061ValfsTer35 (c.3181_3184del) as a pathogenic variant.

Natera, Inc.
Classification: Pathogenic for Progressive familial intrahepatic cholestasis type 2. Last evaluated: 2025-05-02. Review status: criteria provided, single submitter. Criteria: Natera Variant Classification Schema (03/2026). Collection method: clinical testing. Allele origin: germline.
Comment: The c.3181_3184del variant in ABCB11 is a frameshift variant predicted to shift the reading frame beginning at codon 1061 and leads to a stop codon 35 codons downstream. This variant is expected to result in nonsense mediated decay, truncation, or a dysfunctional protein product. This variant is rare in the general population with a frequency below the threshold expected for the associated phenotype(s). This variant has been observed in one or more individuals affected with the associated recessive disease, as either homozygous or compound heterozygous with a second variant (PMID: 20232290). Additionally, this variant has been observed to segregate in affected family members (PMID: 20232290). Given the available evidence, this variant is classified as Pathogenic.

Literature cited by the submitters: PubMed 35626323 (cited by Genomenon, Inc); PubMed 20232290 (cited by Genomenon, Inc and Natera, Inc.).

NM_003742.4(ABCB11):c.3181_3184del (p.Ile1061fs)

Gene: ABCB11 (ATP binding cassette subfamily B member 11; minus strand). Cytogenetic location: 2q31.1.
Variant type: Deletion.
Coding change: c.3181_3184del on transcript NM_003742.4 (MANE Select); coding-DNA positions 3181 to 3184, 4 bases deleted (ATCA; older notation c.3181_3184delATCA).
Protein change: p.Ile1061fs; shifts the reading frame from isoleucine 1061.
Molecular consequence: frameshift variant.
Genome position (GRCh38, 1-based): chr2:168,932,406-168,932,409, TGAT deleted on the plus strand (ATCA on the coding strand, the reverse complement: ABCB11 is on the minus strand); deleting any 4 consecutive bases within chr2:168,932,406-168,932,411 gives the same sequence; the c. name uses the placement nearest the transcript's 3' end. VCF-style (leftmost placement, unchanged base first): chr2-168932405-CTGAT-C. GRCh37 (hg19) VCF-style: chr2-169788915-CTGAT-C.
Other names: short protein forms I1061fs.
Identifiers: ClinVar variation 4061593 (VCV004061593.3).